The following is an entry in ClinVar:

NM_015158.5(KANK1):c.144T>G (p.Tyr48Ter)

Gene: KANK1 (KN motif and ankyrin repeat domains 1; plus strand). Cytogenetic location: 9p24.3.
Variant type: single nucleotide variant.
Coding change: c.144T>G on transcript NM_015158.5 (MANE Select); coding-DNA position 144, T replaced by G.
Protein change: p.Tyr48Ter; replaces tyrosine 48 with a stop codon.
Molecular consequence: nonsense. On other transcripts: 5 prime UTR variant (12), non-coding transcript variant (1).
Genome position (GRCh38, 1-based): chr9:710,910, T>G. VCF-style: chr9-710910-T-G. GRCh37 (hg19) VCF-style: chr9-710910-T-G.
Other names: c.144T>G, p.Tyr48Ter (NM_001256876.3, NM_001256877.3, NM_001354331.2 and 2 more transcripts); c.-331T>G (NM_001354333.2, NM_001354335.2, NM_001354336.2 and 9 more transcripts); short protein forms Y48*.
Identifiers: ClinVar variation 2787451 (VCV002787451.3), dbSNP rs781256675, ClinGen allele CA372745568.

ClinVar aggregate classification (germline): Uncertain significance (1 of 4 stars; one submission).

gnomAD v4.1: 4 of 1,614,150 alleles (0.00025%); highest among the groups gnomAD compares: Non-Finnish European, 0.00034%; no homozygotes.

Submission:

Labcorp Genetics (formerly Invitae), Labcorp
Classification: Uncertain significance. Last evaluated: 2023-11-17. Review status: criteria provided, single submitter. Criteria: Invitae Variant Classification Sherloc (09022015). Collection method: clinical testing. Allele origin: germline.
Comment: This sequence change creates a premature translational stop signal (p.Tyr48*) in the KANK1 gene. It is expected to result in an absent or disrupted protein product. However, the current clinical and genetic evidence is not sufficient to establish whether loss-of-function variants in KANK1 cause disease. This variant is not present in population databases (gnomAD no frequency). This variant has not been reported in the literature in individuals affected with KANK1-related conditions. In summary, the available evidence is currently insufficient to determine the role of this variant in disease. Therefore, it has been classified as a Variant of Uncertain Significance.